The following is an entry in ClinVar:

NM_004006.3(DMD):c.6615-2A>G

Gene: DMD (dystrophin; minus strand). Cytogenetic location: Xp21.1.
Variant type: single nucleotide variant.
Coding change: c.6615-2A>G on transcript NM_004006.3 (MANE Select); the canonical splice acceptor site of the intron before coding-DNA position 6615, A replaced by G.
Molecular consequence: splice acceptor variant.
Genome position (GRCh38, 1-based): chrX:31,932,229, T>C on the plus strand (A>G on the coding strand, the complement: DMD is on the minus strand). VCF-style: chrX-31932229-T-C. GRCh37 (hg19) VCF-style: chrX-31950346-T-C.
Other names: c.6591-2A>G (NM_000109.4); c.2592-2A>G (NM_004011.4); c.2583-2A>G (NM_004012.4); c.-766-2A>G (NM_004023.3, NM_004020.4, NM_004022.3 and 2 more transcripts); c.6603-2A>G (NM_004009.3); c.6246-2A>G (NM_004010.3).
Identifiers: ClinVar variation 870594 (VCV000870594.3), dbSNP rs1557011973, ClinGen allele CA412658439.
Genomic context (GRCh38, chrX:31,932,229, plus strand): 5'-AAACAAATTCATTTAAATCTCTTTGAAATTCTGACAAGATATTCTTTTGTTCTTCTAGCC[T>C]GGAGAAAGAAGAATAAAATTGTTATTTTTTTTTCCAACATAGTTCTCAAACTATTTGTTA-3'

ClinVar aggregate classification (germline): Pathogenic (1 of 4 stars; one submission).

Conditions:
Duchenne muscular dystrophy (DMD). Also called: Duchenne Muscular Dystrophy (DMD); MUSCULAR DYSTROPHY, PSEUDOHYPERTROPHIC PROGRESSIVE, DUCHENNE TYPE. Identifiers: Orphanet 98896, MedGen C0013264, MONDO:0010679, OMIM 310200.

Submission:

Foundation for Research in Genetics and Endocrinology, FRIGE's Institute of Human Genetics
Classification: Pathogenic for Duchenne muscular dystrophy. Last evaluated: 2020-03-11. Review status: criteria provided, single submitter. Criteria: ACMG Guidelines, 2015. Collection method: clinical testing. Allele origin: germline. Inheritance: X-linked recessive inheritance. Affected: yes. Observed: 1 hemizygote.
Comment: A hemizygous 3'splice site variation in intron 45 of the DMD gene that affects the invariant AG acceptor splice site of exon 46 was detected. The observed variant c.6615-2A>G has not been reported in the 1000 genomes and ExAC databases. The in silico prediction of the variant is damaging by MutationTaster2. The reference codon is conserved across species. In summary, the variant meets our criteria to be classified as pathogenic.